The following is an entry in ClinVar:

ClinVar aggregate classification (germline): Uncertain significance. Review status: criteria provided, multiple submitters, no conflicts (2 of 4 stars). 2 submissions from 2 submitters: Uncertain significance (2). Last evaluated 2026-08-12.

Conditions:
Inborn genetic diseases. Identifiers: MedGen C0950123, MeSH D030342.
Monogenic hearing loss.

Allele frequency attached by ClinVar (database versions not stated): gnomAD exomes below 0.00001; gnomAD 0.00001.
gnomAD v4.1: 7 of 1,613,900 alleles (0.00043%); highest among the groups gnomAD compares: Admixed American, 0.0017%; no homozygotes.

Submissions (2):

Genetics Laboratory, Great Ormond Street Hospital NHS Foundation Trust, North Thames Genomic Laboratory Hub
Classification: Uncertain significance for Monogenic hearing loss. Last evaluated: 2026-08-12. Review status: criteria provided, single submitter. Criteria: ACGS Best Practice Guidelines for Variant Classification in Rare Disease 2024 v1.2. Collection method: clinical testing. Allele origin: germline. Affected: yes.
Comment: PM2_moderate, PP3_supporting, PP4_supporting

Ambry Genetics
Classification: Uncertain significance for Inborn genetic diseases. Last evaluated: 2021-09-16. Review status: criteria provided, single submitter. Criteria: Ambry Variant Classification Scheme 2023. Collection method: clinical testing. Allele origin: germline.

NM_181458.4(PAX3):c.658C>T (p.Arg220Cys)

Gene: PAX3 (paired box 3; minus strand). Cytogenetic location: 2q36.1.
Variant type: single nucleotide variant.
Coding change: c.658C>T on transcript NM_181458.4 (MANE Select); coding-DNA position 658, C replaced by T.
Protein change: p.Arg220Cys; replaces arginine 220 with cysteine.
Molecular consequence: missense variant.
Genome position (GRCh38, 1-based): chr2:222,232,212, G>A on the plus strand (C>T on the coding strand, the complement: PAX3 is on the minus strand). VCF-style: chr2-222232212-G-A. GRCh37 (hg19) VCF-style: chr2-223096931-G-A.
Other names: c.655C>T, p.Arg219Cys (NM_001127366.3); c.658C>T, p.Arg220Cys (NM_181457.4, NM_181459.4, NM_181460.4 and 1 more transcripts); short protein forms R220C, R219C.
Identifiers: ClinVar variation 2250509 (VCV002250509.3), dbSNP rs917104474, ClinGen allele CA66333344.
Genomic context (GRCh38, chr2:222,232,212, plus strand): 5'-TCTCAAAAGCACGCTCCAGTTCCTCCAGCTGTTCTGCTGTGAAGGTGGTTCGGCTTCTGC[G>A]CTGTTTCCTCTTTAGTGGTAAATCTGGTTCAGAGTCAATATCAGAGCCTTCATCTGATTG-3'
Protein context (NP_852123.1, residues 210-230): EPDLPLKRKQ[Arg220Cys]RSRTTFTAEQ